The following is an entry in ClinVar:

NM_001174089.2(SLC4A11):c.1142A>G (p.Asn381Ser)

Gene: SLC4A11 (solute carrier family 4 member 11; minus strand). Cytogenetic location: 20p13.
Variant type: single nucleotide variant.
Coding change: c.1142A>G on transcript NM_001174089.2 (MANE Select); coding-DNA position 1142, A replaced by G.
Protein change: p.Asn381Ser; replaces asparagine 381 with serine.
Molecular consequence: missense variant. On other transcripts: non-coding transcript variant (3).
Genome position (GRCh38, 1-based): chr20:3,230,959, T>C on the plus strand (A>G on the coding strand, the complement: SLC4A11 is on the minus strand). VCF-style: chr20-3230959-T-C. GRCh37 (hg19) VCF-style: chr20-3211605-T-C.
Other names: c.1271A>G, p.Asn424Ser (NM_001174090.2, NM_001400280.1); c.1142A>G, p.Asn381Ser (NM_001363745.2); c.1085A>G, p.Asn362Ser (NM_001400277.1, NM_001400278.1, NM_001400279.1); c.1190A>G, p.Asn397Ser (NM_032034.4); short protein forms N381S, N424S, N362S, N397S.
Identifiers: ClinVar variation 3165026 (VCV003165026.3), dbSNP rs201258905, ClinGen allele CA9741984.

ClinVar aggregate classification (germline): Uncertain significance. Review status: criteria provided, multiple submitters, no conflicts (2 of 4 stars). 2 submissions from 2 submitters: Uncertain significance (2). Last evaluated 2026-05-06.

Conditions:
Inborn genetic diseases. Identifiers: MedGen C0950123, MeSH D030342.
SLC4A11-related disorder. Also called: SLC4A11-related condition.

Allele frequency attached by ClinVar (database versions not stated): 1000 Genomes Project 0.00020; gnomAD exomes 0.00003; ExAC 0.00004; gnomAD 0.00009; 1000 Genomes Project 30x 0.00016; TOPMed 0.00019.
gnomAD v4.1: 51 of 1,577,828 alleles (0.0032%); highest among the groups gnomAD compares: Admixed American, 0.026%; no homozygotes.

Submissions (2):

PreventionGenetics, part of Exact Sciences
Classification: Uncertain significance for SLC4A11-related condition. Last evaluated: 2026-05-06. Review status: criteria provided, single submitter. Criteria: ACMG Guidelines, 2015. Collection method: clinical testing. Allele origin: germline.
Comment: The SLC4A11 c.1190A>G variant is predicted to result in the amino acid substitution p.Asn397Ser. To our knowledge, this variant has not been reported in the literature. This variant is reported in 0.014% of alleles in individuals of Latino descent in gnomAD. At this time, the clinical significance of this variant is uncertain due to the absence of conclusive functional and genetic evidence.

Ambry Genetics
Classification: Uncertain significance for Inborn genetic diseases. Last evaluated: 2025-01-01. Review status: criteria provided, single submitter. Criteria: Ambry Variant Classification Scheme 2023. Collection method: clinical testing. Allele origin: germline.